The following is an entry in ClinVar:

ClinVar aggregate classification (germline): Pathogenic (1 of 4 stars; one submission).

Conditions:
Long QT syndrome (LQTS). Identifiers: MedGen C0023976, MeSH D008133, MONDO:0002442. Disease mechanism: loss of function. Inheritance: Various modes of inheritance.

Submission:

Labcorp Genetics (formerly Invitae), Labcorp
Classification: Pathogenic for Long QT syndrome. Last evaluated: 2022-10-17. Review status: criteria provided, single submitter. Criteria: Invitae Variant Classification Sherloc (09022015). Collection method: clinical testing. Allele origin: germline.
Comment: For these reasons, this variant has been classified as Pathogenic. Experimental studies are conflicting or provide insufficient evidence to determine the effect of this variant on KCNH2 function (PMID: 16923798). Algorithms developed to predict the effect of variants on protein structure and function are not available or were not evaluated for this variant. ClinVar contains an entry for this variant (Variation ID: 947666). This premature translational stop signal has been observed in individual(s) with long QT syndrome (PMID: 15840476, 16923798). This variant is not present in population databases (gnomAD no frequency). This sequence change creates a premature translational stop signal (p.Val1038Alafs*21) in the KCNH2 gene. It is expected to result in an absent or disrupted protein product. Loss-of-function variants in KCNH2 are known to be pathogenic (PMID: 10973849, 19862833).

Literature cited by the submitters: PubMed 16923798; PubMed 15840476; PubMed 10973849; PubMed 19862833.

NM_000238.4(KCNH2):c.3108_3112dup (p.Val1038fs)

Gene: KCNH2 (potassium voltage-gated channel subfamily H member 2; minus strand). Cytogenetic location: 7q36.1.
Variant type: Duplication.
Coding change: c.3108_3112dup on transcript NM_000238.4 (MANE Select); coding-DNA positions 3108 to 3112, 5 bases duplicated (CGACG; older notation c.3108_3112dupCGACG).
Protein change: p.Val1038fs; shifts the reading frame from valine 1038.
Molecular consequence: frameshift variant.
Genome position (GRCh38, 1-based): chr7:150,947,368-150,947,372, CGTCG duplicated on the plus strand (CGACG on the coding strand, the reverse complement: KCNH2 is on the minus strand); duplicating any 5 consecutive bases within chr7:150,947,368-150,947,373 gives the same sequence; the c. name uses the placement nearest the transcript's 3' end. VCF-style (leftmost placement, unchanged base first): chr7-150947367-A-ACGTCG. GRCh37 (hg19) VCF-style: chr7-150644455-A-ACGTCG.
Other names: c.2088_2092dup, p.Val698fs (NM_172057.3); short protein forms V1038fs, V698fs.
Identifiers: ClinVar variation 947666 (VCV000947666.9), dbSNP rs1800936242, ClinGen allele CA1139660329.